The following is an entry in ClinVar:

ClinVar aggregate classification (germline): Uncertain significance. Review status: criteria provided, multiple submitters, no conflicts (2 of 4 stars). 2 submissions from 2 submitters: Uncertain significance (2). Last evaluated 2022-04-28.

Conditions:
Hypertrophic cardiomyopathy 11. Also called: ACTC1-Related Familial Hypertrophic Cardiomyopathy. Identifiers: MedGen C2677506, MONDO:0012799, OMIM 612098.
Dilated cardiomyopathy 1R (CMD1R). Identifiers: Orphanet 154, Orphanet 54260, MedGen C3150681, MONDO:0013261, OMIM 613424.
Atrial septal defect 5 (ASD5). Identifiers: Orphanet 1478, MedGen C2748552, MONDO:0013011, OMIM 612794.

Submissions (2):

Blueprint Genetics
Classification: Uncertain significance. Last evaluated: 2022-04-28. Review status: criteria provided, single submitter. Criteria: ACMG Guidelines, 2015. Collection method: clinical testing. Allele origin: germline.

Labcorp Genetics (formerly Invitae), Labcorp
Classification: Uncertain significance for Dilated cardiomyopathy 1R; Hypertrophic cardiomyopathy 11; Atrial septal defect 5. Last evaluated: 2022-04-12. Review status: criteria provided, single submitter. Criteria: Invitae Variant Classification Sherloc (09022015). Collection method: clinical testing. Allele origin: germline.
Comment: In summary, the available evidence is currently insufficient to determine the role of this variant in disease. Therefore, it has been classified as a Variant of Uncertain Significance. This sequence change replaces proline, which is neutral and non-polar, with threonine, which is neutral and polar, at codon 100 of the ACTC1 protein (p.Pro100Thr). This variant is not present in population databases (gnomAD no frequency). This variant has not been reported in the literature in individuals affected with ACTC1-related conditions. Algorithms developed to predict the effect of missense changes on protein structure and function (SIFT, PolyPhen-2, Align-GVGD) all suggest that this variant is likely to be disruptive.

NM_005159.5(ACTC1):c.298C>A (p.Pro100Thr)

Genes: ACTC1 (actin alpha cardiac muscle 1; minus strand), GJD2-DT (GJD2 divergent transcript; plus strand). Cytogenetic location: 15q14.
Variant type: single nucleotide variant.
Coding change: c.298C>A on transcript NM_005159.5 (MANE Select); coding-DNA position 298, C replaced by A.
Protein change: p.Pro100Thr; replaces proline 100 with threonine.
Molecular consequence: missense variant.
Genome position (GRCh38, 1-based): chr15:34,793,401, G>T on the plus strand (C>A on the coding strand, the complement: ACTC1 is on the minus strand). VCF-style: chr15-34793401-G-T. GRCh37 (hg19) VCF-style: chr15-35085602-G-T.
Other names: c.298C>A, p.Pro100Thr (NM_001406482.1, NM_001406483.1); c.163C>A, p.Pro55Thr (NM_001406484.1); c.-91C>A (NM_001406485.1); short protein forms P55T, P100T.
Identifiers: ClinVar variation 2051784 (VCV002051784.5), dbSNP rs2504182941, ClinGen allele CA391631544.
Genomic context (GRCh38, chr15:34,793,401, plus strand): 5'-TCTCCCGGTTGGCCTTGGGGTTCAGCGGGGCCTCTGTGAGCAGGGTGGGGTGCTCCTCGG[G>T]AGCCACACGGAGCTCATTGTAGAAGGTGTGGTGCCAGATCTTCTCCATGTCGTCCCAGTT-3'
Protein context (NP_005150.1, residues 90-110): HTFYNELRVA[Pro100Thr]EEHPTLLTEA